The following is an entry in ClinVar:

NM_001148.6(ANK2):c.2857A>T (p.Asn953Tyr)

Gene: ANK2 (ankyrin 2; plus strand). Cytogenetic location: 4q26.
Variant type: single nucleotide variant.
Coding change: c.2857A>T on transcript NM_001148.6 (MANE Select); coding-DNA position 2857, A replaced by T.
Protein change: p.Asn953Tyr; replaces asparagine 953 with tyrosine.
Molecular consequence: missense variant.
Genome position (GRCh38, 1-based): chr4:113,318,577, A>T. VCF-style: chr4-113318577-A-T. GRCh37 (hg19) VCF-style: chr4-114239733-A-T.
Other names: c.2794A>T, p.Asn932Tyr (NM_001127493.3, NM_001354243.2, NM_001354255.2 and 3 more transcripts); c.2869A>T, p.Asn957Tyr (NM_001354225.2); c.2857A>T, p.Asn953Tyr (NM_001354228.2, NM_001354232.2, NM_020977.5 and 1 more transcripts); c.2899A>T, p.Asn967Tyr (NM_001354230.2, NM_001354231.2, NM_001354237.2 and 1 more transcripts); c.2854A>T, p.Asn952Tyr (NM_001354235.2, NM_001354236.2, NM_001354246.2 and 1 more transcripts); c.2791A>T, p.Asn931Tyr (NM_001354239.2, NM_001354244.2, NM_001354252.2 and 3 more transcripts); c.2902A>T, p.Asn968Tyr (NM_001354240.2, NM_001354241.2, NM_001386144.1); c.2758A>T, p.Asn920Tyr (NM_001354245.2, NM_001354268.2); and 17 more; short protein forms N162Y, N825Y, N858Y, N882Y, N886Y, N891Y, N899Y, N919Y.
Identifiers: ClinVar variation 4858155 (VCV004858155.1).

ClinVar aggregate classification (germline): Uncertain significance (1 of 4 stars; one submission).

Conditions:
Cardiovascular phenotype. Identifiers: MedGen CN230736.

gnomAD v4.1: 3 of 1,613,798 alleles (0.00019%); highest among the groups gnomAD compares: Non-Finnish European, 0.00017%; no homozygotes.

Submission:

Ambry Genetics
Classification: Uncertain significance for Cardiovascular phenotype. Last evaluated: 2026-04-12. Review status: criteria provided, single submitter. Criteria: Ambry Variant Classification Scheme 2023. Collection method: clinical testing. Allele origin: germline.
Comment: The p.N953Y variant (also known as c.2857A>T), located in coding exon 26 of the ANK2 gene, results from an A to T substitution at nucleotide position 2857. The asparagine at codon 953 is replaced by tyrosine, an amino acid with dissimilar properties. This amino acid position is conserved. In addition, the in silico prediction for this alteration is inconclusive. Based on the available evidence, the clinical significance of this variant remains unclear.